The following is an entry in ClinVar:

ClinVar aggregate classification (germline): other (0 of 4 stars; one submission).

Conditions:
Familial colorectal cancer. Identifiers: MedGen CN280943, MONDO:0023113. Disease mechanism: loss of function.

Submission:

Systems Biology Platform Zhejiang California International NanoSystems Institute
Classification: other for Familial colorectal cancer. Review status: no assertion criteria provided. Collection method: not provided. Allele origin: unknown.
ClinVar note: Converted during submission from cancer to other.

NM_000038.6(APC):c.645+3078C>A

Gene: APC (APC regulator of WNT signaling pathway; plus strand). Cytogenetic location: 5q22.2.
Variant type: single nucleotide variant.
Coding change: c.645+3078C>A on transcript NM_000038.6 (MANE Select); 3078 bases into the intron after coding-DNA position 645, C replaced by A.
Molecular consequence: intron variant.
Genome position (GRCh38, 1-based): chr5:112,783,981, C>A. VCF-style: chr5-112783981-C-A. GRCh37 (hg19) VCF-style: chr5-112119678-C-A.
Other names: c.645+3078C>A (NM_001354895.2, NM_001127510.3, NM_001354896.2 and 2 more transcripts); c.675+3078C>A (NM_001354897.2, NM_001354902.2, NM_001127511.3); c.570+3078C>A (NM_001354898.2, NM_001354904.2); c.-391+3078C>A (NM_001354906.2); c.468+3078C>A (NM_001354900.2, NM_001354901.2, NM_001354905.2).
Identifiers: ClinVar variation 82441 (VCV000082441.2), dbSNP rs76564413, ClinGen allele CA011396.